The following is an entry in ClinVar:

ClinVar aggregate classification (germline): Conflicting classifications of pathogenicity. Review status: criteria provided, conflicting classifications (1 of 4 stars). 2 submissions from 2 submitters: Uncertain significance (1); Likely benign (1). Last evaluated 2025-04-16.

Conditions:
Inborn genetic diseases. Identifiers: MedGen C0950123, MeSH D030342.

Allele frequency attached by ClinVar (database versions not stated): gnomAD 0.00003; ExAC 0.00004; ESP Exome Variant Server 0.00008.
gnomAD v4.1: 113 of 1,613,118 alleles (0.007%); highest among the groups gnomAD compares: South Asian, 0.0088%; no homozygotes.

Submissions (2):

Labcorp Genetics (formerly Invitae), Labcorp
Classification: Likely benign. Last evaluated: 2025-04-16. Review status: criteria provided, single submitter. Criteria: Invitae Variant Classification Sherloc (09022015). Collection method: clinical testing. Allele origin: germline.

Ambry Genetics
Classification: Uncertain significance for Inborn genetic diseases. Last evaluated: 2021-05-10. Review status: criteria provided, single submitter. Criteria: Ambry Variant Classification Scheme 2023. Collection method: clinical testing. Allele origin: germline.
Comment: The c.115-6C>G intronic alteration consists of a C to G substitution 6 nucleotides before coding exon 3 in the MCPH1 gene. Based on insufficient or conflicting evidence, the clinical significance of this alteration remains unclear.

NM_024596.5(MCPH1):c.115-6C>G

Gene: MCPH1 (microcephalin 1; plus strand). Cytogenetic location: 8p23.1.
Variant type: single nucleotide variant.
Coding change: c.115-6C>G on transcript NM_024596.5 (MANE Select); 6 bases into the intron before coding-DNA position 115, C replaced by G.
Molecular consequence: intron variant.
Genome position (GRCh38, 1-based): chr8:6,414,759, C>G. VCF-style: chr8-6414759-C-G. GRCh37 (hg19) VCF-style: chr8-6272280-C-G.
Other names: c.115-6C>G (NM_024596.3, NM_001322042.2, NM_001363980.2 and 3 more transcripts); c.109-6C>G (NM_001322043.2); c.13-6C>G (NM_001322045.2).
Identifiers: ClinVar variation 1409863 (VCV001409863.9), dbSNP rs368712550, ClinGen allele CA4610073.